The following is an entry in ClinVar:

ClinVar aggregate classification (germline): Uncertain significance (1 of 4 stars; one submission).

Conditions:
Mucopolysaccharidosis, MPS-II (MPS2). Also called: Mucopolysaccharidosis with skin involvement; Attenuated MPS (subtype; formerly known as mild MPS II); Severe MPS II; I2S deficiency; MPS 2; Hunter Syndrome. Identifiers: Orphanet 580, Orphanet 79388, MedGen C0026705, MONDO:0010674, OMIM 309900.

Submission:

Juno Genomics, Hangzhou Juno Genomics, Inc
Classification: Uncertain significance for Mucopolysaccharidosis, MPS-II. Review status: criteria provided, single submitter. Criteria: ACMG Guidelines, 2015. Collection method: clinical testing. Allele origin: germline.
Comment: Absent from controls (or at extremely low frequency if recessive) in Genome Aggregation Database.;Multiple lines of computational evidence support a deleterious effect on the gene or gene product.

NM_000202.8(IDS):c.187A>T (p.Asn63Tyr)

Gene: IDS (iduronate 2-sulfatase; minus strand). Cytogenetic location: Xq28.
Variant type: single nucleotide variant.
Coding change: c.187A>T on transcript NM_000202.8 (MANE Select); coding-DNA position 187, A replaced by T.
Protein change: p.Asn63Tyr; replaces asparagine 63 with tyrosine.
Molecular consequence: missense variant. On other transcripts: 5 prime UTR variant (1), non-coding transcript variant (1).
Genome position (GRCh38, 1-based): chrX:149,504,210, T>A on the plus strand (A>T on the coding strand, the complement: IDS is on the minus strand). VCF-style: chrX-149504210-T-A. GRCh37 (hg19) VCF-style: chrX-148585740-T-A.
Other names: c.-40A>T (NM_001166550.4); c.187A>T, p.Asn63Tyr (NM_006123.5); short protein forms N63Y.
Identifiers: ClinVar variation 5007514 (VCV005007514.2).
Genomic context (GRCh38, chrX:149,504,210, plus strand): 5'-GACATACCTGCGCAAAGGCATTCTGGAAGAGGAGGCTGTGGGATGCCAGTTGGTCAATAT[T>A]TGGGGACCTCACCAGCTTATCCCCATAACAGCCCAGGGAGGGGCGCAGGTCATCCACGAT-3'
Protein context (NP_000193.1, residues 53-73): CYGDKLVRSP[Asn63Tyr]IDQLASHSLL